The following is an entry in ClinVar:

ClinVar aggregate classification (germline): Uncertain significance (1 of 4 stars; one submission).

Allele frequency attached by ClinVar (database versions not stated): gnomAD exomes below 0.00001; ExAC 0.00001.
gnomAD v4.1: 1 of 1,614,086 alleles (0.000062%); highest among the groups gnomAD compares: South Asian, 0.0011%; no homozygotes.

Submission:

Labcorp Genetics (formerly Invitae), Labcorp
Classification: Uncertain significance. Last evaluated: 2022-02-03. Review status: criteria provided, single submitter. Criteria: Invitae Variant Classification Sherloc (09022015). Collection method: clinical testing. Allele origin: germline.
Comment: This sequence change replaces glutamine, which is neutral and polar, with glutamic acid, which is acidic and polar, at codon 1144 of the ADAMTS18 protein (p.Gln1144Glu). This variant is not present in population databases (gnomAD no frequency). This variant has not been reported in the literature in individuals affected with ADAMTS18-related conditions. ClinVar contains an entry for this variant (Variation ID: 1000953). Algorithms developed to predict the effect of missense changes on protein structure and function are either unavailable or do not agree on the potential impact of this missense change (SIFT: "Not Available"; PolyPhen-2: "Probably Damaging"; Align-GVGD: "Not Available"). In summary, the available evidence is currently insufficient to determine the role of this variant in disease. Therefore, it has been classified as a Variant of Uncertain Significance.

NM_199355.4(ADAMTS18):c.3430C>G (p.Gln1144Glu)

Genes: ADAMTS18 (ADAM metallopeptidase with thrombospondin type 1 motif 18; minus strand), LOC126862407 (CDK7 strongly-dependent group 2 enhancer GRCh37_chr16:77322970-77324169; plus strand). Cytogenetic location: 16q23.1.
Variant type: single nucleotide variant.
Coding change: c.3430C>G on transcript NM_199355.4 (MANE Select); coding-DNA position 3430, C replaced by G.
Protein change: p.Gln1144Glu; replaces glutamine 1144 with glutamic acid.
Molecular consequence: missense variant.
Genome position (GRCh38, 1-based): chr16:77,289,384, G>C on the plus strand (C>G on the coding strand, the complement: ADAMTS18 is on the minus strand). VCF-style: chr16-77289384-G-C. GRCh37 (hg19) VCF-style: chr16-77323281-G-C.
Other names: c.2914C>G, p.Gln972Glu (NM_001326358.2); short protein forms Q1144E, Q972E.
Identifiers: ClinVar variation 1000953 (VCV001000953.9), dbSNP rs766249235, ClinGen allele CA8180429.
Genomic context (GRCh38, chr16:77,289,384, plus strand): 5'-GATGGAGCAGACAACTTGAGGAAGGCCGGCCTTGCTGAACACAGTGGACTGACCGGGTCT[G>C]GACCCCTCCCCCACAGGTGACTGTGCACTGCAGCAGAGAGAAGAGGAAGGAGTCAGAAAC-3'
Protein context (NP_955387.1, residues 1134-1154): QCTVTCGGGV[Gln1144Glu]TRSVHCVQQG